The following is an entry in ClinVar:

ClinVar aggregate classification (germline): Uncertain significance. Review status: criteria provided, multiple submitters, no conflicts (2 of 4 stars). 3 submissions from 3 submitters: Uncertain significance (3). Last evaluated 2025-11-13.

Conditions:
Inborn genetic diseases. Identifiers: MedGen C0950123, MeSH D030342.
DCHS1-related disorder. Also called: DCHS1-related condition.

Allele frequency attached by ClinVar (database versions not stated): gnomAD 0.00004; 1000 Genomes Project 30x 0.00016; 1000 Genomes Project 0.00020.
gnomAD v4.1: 74 of 1,613,392 alleles (0.0046%); highest among the groups gnomAD compares: Non-Finnish European, 0.0062%; no homozygotes.

Submissions (3):

Labcorp Genetics (formerly Invitae), Labcorp
Classification: Uncertain significance. Last evaluated: 2025-11-13. Review status: criteria provided, single submitter. Criteria: Invitae Variant Classification Sherloc (09022015). Collection method: clinical testing. Allele origin: germline.
Comment: This sequence change replaces threonine, which is neutral and polar, with alanine, which is neutral and non-polar, at codon 1985 of the DCHS1 protein (p.Thr1985Ala). This variant is present in population databases (rs200970279, gnomAD 0.009%). This variant has not been reported in the literature in individuals affected with DCHS1-related conditions. ClinVar contains an entry for this variant (Variation ID: 2143050). Invitae Evidence Modeling of protein sequence and biophysical properties (such as structural, functional, and spatial information, amino acid conservation, physicochemical variation, residue mobility, and thermodynamic stability) indicates that this missense variant is not expected to disrupt DCHS1 protein function with a negative predictive value of 95%. In summary, the available evidence is currently insufficient to determine the role of this variant in disease. Therefore, it has been classified as a Variant of Uncertain Significance.

PreventionGenetics, part of Exact Sciences
Classification: Uncertain significance for DCHS1-related condition. Last evaluated: 2025-07-23. Review status: criteria provided, single submitter. Criteria: ACMG Guidelines, 2015. Collection method: clinical testing. Allele origin: germline.
Comment: The DCHS1 c.5953A>G variant is predicted to result in the amino acid substitution p.Thr1985Ala. To our knowledge, this variant has not been reported in the literature. This variant is reported in 0.0078% of alleles in individuals of European (Non-Finnish) descent in gnomAD. At this time, the clinical significance of this variant is uncertain due to the absence of conclusive functional and genetic evidence.

Ambry Genetics
Classification: Uncertain significance for Inborn genetic diseases. Last evaluated: 2024-04-15. Review status: criteria provided, single submitter. Criteria: Ambry Variant Classification Scheme 2023. Collection method: clinical testing. Allele origin: germline.

NM_003737.4(DCHS1):c.5953A>G (p.Thr1985Ala)

Gene: DCHS1 (dachsous cadherin-related 1; minus strand). Cytogenetic location: 11p15.4.
Variant type: single nucleotide variant.
Coding change: c.5953A>G on transcript NM_003737.4 (MANE Select); coding-DNA position 5953, A replaced by G.
Protein change: p.Thr1985Ala; replaces threonine 1985 with alanine.
Molecular consequence: missense variant.
Genome position (GRCh38, 1-based): chr11:6,627,086, T>C on the plus strand (A>G on the coding strand, the complement: DCHS1 is on the minus strand). VCF-style: chr11-6627086-T-C. GRCh37 (hg19) VCF-style: chr11-6648317-T-C.
Other names: c.5953A>G (NM_003737.3, NM_003737.2); short protein forms T1985A.
Identifiers: ClinVar variation 2143050 (VCV002143050.6), dbSNP rs200970279, ClinGen allele CA5859987.